The following is an entry in ClinVar:

ClinVar aggregate classification (germline): Uncertain significance (1 of 4 stars; one submission).

Conditions:
Left ventricular noncompaction 8 (LVNC8). Identifiers: Orphanet 154, Orphanet 54260, MedGen C3809288, MONDO:0014152, OMIM 615373.

Allele frequency attached by ClinVar (database versions not stated): gnomAD exomes 0.00001.
gnomAD v4.1: 9 of 1,603,074 alleles (0.00056%); highest among the groups gnomAD compares: Non-Finnish European, 0.00077%; no homozygotes.

Submission:

Labcorp Genetics (formerly Invitae), Labcorp
Classification: Uncertain significance for Left ventricular noncompaction 8. Last evaluated: 2025-10-04. Review status: criteria provided, single submitter. Criteria: Invitae Variant Classification Sherloc (09022015). Collection method: clinical testing. Allele origin: germline.
Comment: This sequence change replaces glutamic acid, which is acidic and polar, with lysine, which is basic and polar, at codon 799 of the PRDM16 protein (p.Glu799Lys). The frequency data for this variant in the population databases is considered unreliable, as metrics indicate poor data quality at this position in the gnomAD database. This variant has not been reported in the literature in individuals affected with PRDM16-related conditions. ClinVar contains an entry for this variant (Variation ID: 2043260). An algorithm developed to predict the effect of missense changes on protein structure and function (PolyPhen-2) suggests that this variant is likely to be tolerated. In summary, the available evidence is currently insufficient to determine the role of this variant in disease. Therefore, it has been classified as a Variant of Uncertain Significance.

NM_022114.4(PRDM16):c.2395G>A (p.Glu799Lys)

Gene: PRDM16 (PR/SET domain 16; plus strand). Cytogenetic location: 1p36.32.
Variant type: single nucleotide variant.
Coding change: c.2395G>A on transcript NM_022114.4 (MANE Select); coding-DNA position 2395, G replaced by A.
Protein change: p.Glu799Lys; replaces glutamic acid 799 with lysine.
Molecular consequence: missense variant.
Genome position (GRCh38, 1-based): chr1:3,412,592, G>A. VCF-style: chr1-3412592-G-A. GRCh37 (hg19) VCF-style: chr1-3329156-G-A.
Other names: c.2395G>A, p.Glu799Lys (NM_199454.3); short protein forms E799K.
Identifiers: ClinVar variation 2043260 (VCV002043260.4), dbSNP rs749471483, ClinGen allele CA544465.
Genomic context (GRCh38, chr1:3,412,592, plus strand): 5'-CCCAAAGACGTGAAGCCCATCCTGCCCATGCCCAAGGGCCCCTCGGCCCCCGCATCCGGC[G>A]AGGAGCAGCCGCTGGACCTGAGCATCGGCAGCCGGGCCCGTGCCAGCCAAAACGGCGGCG-3'
Protein context (NP_071397.3, residues 789-809): PKGPSAPASG[Glu799Lys]EQPLDLSIGS